The following is an entry in ClinVar:

ClinVar aggregate classification (germline): Conflicting classifications of pathogenicity. Review status: criteria provided, conflicting classifications (1 of 4 stars). 2 submissions from 2 submitters: Uncertain significance (1); Likely benign (1). Last evaluated 2024-05-10.

gnomAD v4.1: 29 of 1,613,356 alleles (0.0018%); highest among the groups gnomAD compares: South Asian, 0.0099%; no homozygotes.

Submissions (2):

Labcorp Genetics (formerly Invitae), Labcorp
Classification: Uncertain significance. Last evaluated: 2024-05-10. Review status: criteria provided, single submitter. Criteria: Invitae Variant Classification Sherloc (09022015). Collection method: clinical testing. Allele origin: germline.
Comment: This sequence change replaces arginine, which is basic and polar, with glutamine, which is neutral and polar, at codon 142 of the PCK2 protein (p.Arg142Gln). This variant is present in population databases (rs758347746, gnomAD 0.003%). This variant has not been reported in the literature in individuals affected with PCK2-related conditions. Advanced modeling of protein sequence and biophysical properties (such as structural, functional, and spatial information, amino acid conservation, physicochemical variation, residue mobility, and thermodynamic stability) performed at Invitae indicates that this missense variant is not expected to disrupt PCK2 protein function with a negative predictive value of 80%. In summary, the available evidence is currently insufficient to determine the role of this variant in disease. Therefore, it has been classified as a Variant of Uncertain Significance.

Ambry Genetics
Classification: Likely benign. Last evaluated: 2024-04-23. Review status: criteria provided, single submitter. Criteria: Ambry Variant Classification Scheme 2023. Collection method: clinical testing. Allele origin: germline.

NM_004563.4(PCK2):c.425G>A (p.Arg142Gln)

Genes: NRL (neural retina leucine zipper; minus strand), PCK2 (phosphoenolpyruvate carboxykinase 2, mitochondrial; plus strand). Cytogenetic location: 14q11.2.
Variant type: single nucleotide variant.
Coding change: c.425G>A on transcript NM_004563.4 (MANE Select); coding-DNA position 425, G replaced by A.
Protein change: p.Arg142Gln; replaces arginine 142 with glutamine.
Molecular consequence: missense variant. On other transcripts: intron variant (3).
Genome position (GRCh38, 1-based): chr14:24,098,352, G>A. VCF-style: chr14-24098352-G-A. GRCh37 (hg19) VCF-style: chr14-24567561-G-A.
Other names: c.425G>A, p.Arg142Gln (NM_001018073.3); c.23G>A, p.Arg8Gln (NM_001291556.2, NM_001308054.2); c.-27-15477C>T (NM_001354768.3, NM_001354770.2); c.-253-13607C>T (NM_006177.5); short protein forms R142Q, R8Q.
Identifiers: ClinVar variation 3305138 (VCV003305138.3).
Genomic context (GRCh38, chr14:24,098,352, plus strand): 5'-TCCCGCCTGGTGGGGCCCGTGGGCAGCTGGGCAACTGGATGTCCCCAGCTGATTTCCAGC[G>A]AGCTGTGGATGAGAGGTTTCCAGGCTGCATGCAGGGTAACCAGGGCAGGGGCACAGTGGC-3'
Protein context (NP_004554.3, residues 132-152): GNWMSPADFQ[Arg142Gln]AVDERFPGCM